The following is an entry in ClinVar:

ClinVar aggregate classification (germline): Conflicting classifications of pathogenicity. Review status: criteria provided, conflicting classifications (1 of 4 stars). 3 submissions from 3 submitters: Uncertain significance (1); Likely benign (1). 1 of the submissions does not count toward it. Last evaluated 2025-12-24.

Conditions:
Meckel-Gruber syndrome. Also called: Dysencephalia splachnocystica; DYSENCEPHALIA SPLANCHNOCYSTICA; GRUBER SYNDROME. Identifiers: Orphanet 564, MedGen C0265215, MONDO:0018921.
Joubert syndrome. Also called: Familial aplasia of the vermis; JOUBERT-BOLTSHAUSER SYNDROME. Identifiers: Orphanet 475, MedGen C5979921, MONDO:0018772.
CC2D2A-related disorder. Also called: CC2D2A-related disorders; CC2D2A-related condition. Identifiers: MedGen CN239313.

Allele frequency attached by ClinVar (database versions not stated): gnomAD 0.00002 and 0.00003; ExAC 0.00004; gnomAD exomes 0.00005 and 0.00010; TOPMed 0.00005; ESP Exome Variant Server 0.00034.
gnomAD v4.1: 156 of 1,591,612 alleles (0.0098%); highest among the groups gnomAD compares: Non-Finnish European, 0.012%; no homozygotes.

Submissions (3):

Labcorp Genetics (formerly Invitae), Labcorp
Classification: Likely benign for Joubert syndrome; Meckel-Gruber syndrome. Last evaluated: 2025-12-24. Review status: criteria provided, single submitter. Criteria: Invitae Variant Classification Sherloc (09022015). Collection method: clinical testing. Allele origin: germline.

Eurofins Ntd Llc (ga)
Classification: Uncertain significance. Last evaluated: 2018-05-04. Review status: criteria provided, single submitter. Criteria: EGL ClinVar v180209 classification definitions. Collection method: clinical testing. Allele origin: germline. Observed: 1 variant allele, 1 heterozygote.

PreventionGenetics, part of Exact Sciences
Classification: Likely benign for CC2D2A-related condition. Last evaluated: 2023-11-08. Review status: no assertion criteria provided. Collection method: clinical testing. Allele origin: germline. Not counted in ClinVar's aggregate classification.
Comment: This variant is classified as likely benign based on ACMG/AMP sequence variant interpretation guidelines (Richards et al. 2015 PMID: 25741868, with internal and published modifications).

NM_001378615.1(CC2D2A):c.1497A>G (p.Gln499=)

Genes: CC2D2A (coiled-coil and C2 domain containing 2A; plus strand), FBXL5 (F-box and leucine rich repeat protein 5; minus strand). Cytogenetic location: 4p15.32.
Variant type: single nucleotide variant.
Coding change: c.1497A>G on transcript NM_001378615.1 (MANE Select); coding-DNA position 1497, A replaced by G.
Protein change: p.Gln499=; no amino-acid change (glutamine 499 retained).
Molecular consequence: synonymous variant.
Genome position (GRCh38, 1-based): chr4:15,533,223, A>G. VCF-style: chr4-15533223-A-G. GRCh37 (hg19) VCF-style: chr4-15534846-A-G.
Other names: c.1497A>G, p.Gln499= (NM_001080522.2); c.1350A>G, p.Gln450= (NM_001378617.1).
Identifiers: ClinVar variation 597087 (VCV000597087.15), dbSNP rs368116362, ClinGen allele CA2863698.